The following is an entry in ClinVar:

ClinVar aggregate classification (germline): Uncertain significance. Review status: criteria provided, single submitter (1 of 4 stars). 2 submissions from 2 submitters: Uncertain significance (1). 1 of the submissions does not count toward it. Last evaluated 2025-04-09.

Conditions:
Trichothiodystrophy 9, nonphotosensitive (TTD9). Identifiers: MedGen C5562058, MONDO:0030518, OMIM 619692.
Charcot-Marie-Tooth disease axonal type 2U. Also called: CHARCOT-MARIE-TOOTH NEUROPATHY, TYPE 2U; CHARCOT-MARIE-TOOTH DISEASE, AXONAL, AUTOSOMAL DOMINANT, TYPE 2U. Identifiers: Orphanet 397735, MedGen C4084821, MONDO:0014566, OMIM 616280.
Severe early-onset pulmonary alveolar proteinosis due to MARS deficiency. Also called: PULMONARY ALVEOLAR PROTEINOSIS, REUNION ISLAND; Interstitial lung and liver disease. Identifiers: Orphanet 440427, MedGen C4225400, MONDO:0014206, OMIM 615486.

Allele frequency attached by ClinVar (database versions not stated): gnomAD exomes 0.00001 and below 0.00001; ExAC 0.00002; gnomAD 0.00002; TOPMed 0.00002.
gnomAD v4.1: 10 of 1,614,050 alleles (0.00062%); highest among the groups gnomAD compares: Admixed American, 0.0017%; no homozygotes.

Submissions (2):

Labcorp Genetics (formerly Invitae), Labcorp
Classification: Uncertain significance for Charcot-Marie-Tooth disease axonal type 2U; Severe early-onset pulmonary alveolar proteinosis due to MARS deficiency. Last evaluated: 2025-04-09. Review status: criteria provided, single submitter. Criteria: Invitae Variant Classification Sherloc (09022015). Collection method: clinical testing. Allele origin: germline.
Comment: This sequence change replaces valine, which is neutral and non-polar, with methionine, which is neutral and non-polar, at codon 401 of the MARS protein (p.Val401Met). This variant is present in population databases (rs774447812, gnomAD 0.003%). This variant has not been reported in the literature in individuals affected with MARS-related conditions. ClinVar contains an entry for this variant (Variation ID: 1331685). An algorithm developed to predict the effect of missense changes on protein structure and function (PolyPhen-2) suggests that this variant is likely to be disruptive. In summary, the available evidence is currently insufficient to determine the role of this variant in disease. Therefore, it has been classified as a Variant of Uncertain Significance.

OMIM
Classification: Pathogenic for TRICHOTHIODYSTROPHY 9, NONPHOTOSENSITIVE (1 patient). Last evaluated: 2022-01-04. Review status: no assertion criteria provided. Collection method: literature only. Allele origin: germline. Not counted in ClinVar's aggregate classification.

Literature cited by the submitters: PubMed 33909043 (cited by OMIM).

NM_004990.4(MARS1):c.1201G>A (p.Val401Met)

Gene: MARS1 (methionyl-tRNA synthetase 1; plus strand). Cytogenetic location: 12q13.3.
Variant type: single nucleotide variant.
Coding change: c.1201G>A on transcript NM_004990.4 (MANE Select); coding-DNA position 1201, G replaced by A.
Protein change: p.Val401Met; replaces valine 401 with methionine.
Molecular consequence: missense variant.
Genome position (GRCh38, 1-based): chr12:57,500,430, G>A. VCF-style: chr12-57500430-G-A. GRCh37 (hg19) VCF-style: chr12-57894213-G-A.
Other names: short protein forms V401M.
Identifiers: ClinVar variation 1331685 (VCV001331685.7), dbSNP rs774447812, ClinGen allele CA6650440.